The following is an entry in ClinVar:

NM_000271.5(NPC1):c.2370A>G (p.Gln790=)

Gene: NPC1 (NPC intracellular cholesterol transporter 1; minus strand). Cytogenetic location: 18q11.2.
Variant type: single nucleotide variant.
Coding change: c.2370A>G on transcript NM_000271.5 (MANE Select); coding-DNA position 2370, A replaced by G.
Protein change: p.Gln790=; no amino-acid change (glutamine 790 retained).
Molecular consequence: synonymous variant.
Genome position (GRCh38, 1-based): chr18:23,541,309, T>C on the plus strand (A>G on the coding strand, the complement: NPC1 is on the minus strand). VCF-style: chr18-23541309-T-C. GRCh37 (hg19) VCF-style: chr18-21121273-T-C.
Other names: c.2370A>G (NM_000271.4).
Identifiers: ClinVar variation 1135605 (VCV001135605.10), dbSNP rs1196248392, ClinGen allele CA503522000.

ClinVar aggregate classification (germline): Likely benign. Review status: criteria provided, multiple submitters, no conflicts (2 of 4 stars). 2 submissions from 2 submitters: Likely benign (2). Last evaluated 2025-07-09.

Conditions:
NPC1-related disorder. Also called: NPC1-related condition.
Niemann-Pick disease, type C1. Also called: NIEMANN-PICK DISEASE, VARIANT TYPE C1; NEUROVISCERAL STORAGE DISEASE WITH VERTICAL SUPRANUCLEAR OPHTHALMOPLEGIA; NIEMANN-PICK DISEASE WITH CHOLESTEROL ESTERIFICATION BLOCK; NIEMANN-PICK DISEASE WITHOUT SPHINGOMYELINASE DEFICIENCY; NIEMANN-PICK DISEASE, CHRONIC NEURONOPATHIC FORM. Identifiers: Orphanet 646, MedGen C3179455, MONDO:0009757, OMIM 257220.

Allele frequency attached by ClinVar (database versions not stated): TOPMed below 0.00001; gnomAD 0.00001.
gnomAD v4.1: 2 of 1,614,066 alleles (0.00012%); highest among the groups gnomAD compares: Non-Finnish European, 0.000085%; no homozygotes.

Submissions (2):

PreventionGenetics, part of Exact Sciences
Classification: Likely benign for NPC1-related condition. Last evaluated: 2025-07-09. Review status: criteria provided, single submitter. Criteria: ACMG Guidelines, 2015. Collection method: clinical testing. Allele origin: germline.
Comment: This variant is classified as likely benign based on ACMG/AMP sequence variant interpretation guidelines (Richards et al. 2015 PMID: 25741868, with internal and published modifications).

Labcorp Genetics (formerly Invitae), Labcorp
Classification: Likely benign for Niemann-Pick disease, type C1. Last evaluated: 2025-03-11. Review status: criteria provided, single submitter. Criteria: Invitae Variant Classification Sherloc (09022015). Collection method: clinical testing. Allele origin: germline.